The following is an entry in ClinVar:

ClinVar aggregate classification (germline): Uncertain significance (1 of 4 stars; one submission).

Conditions:
Paget disease of bone 2, early-onset (PDB2). Also called: Paget disease of bone 2. Identifiers: MedGen C4085251, MONDO:0011183, OMIM 602080.
Frontotemporal dementia and/or amyotrophic lateral sclerosis 1 (FTDALS1). Also called: Frontotemporal dementia with motor neuron disease 1; C9orf72 Frontotemporal Dementia and/or Amyotrophic Lateral Sclerosis. Identifiers: Orphanet 275872, MedGen C5779877, MONDO:0007105, OMIM 105550.

Submission:

Labcorp Genetics (formerly Invitae), Labcorp
Classification: Uncertain significance for Paget disease of bone 2, early-onset; Frontotemporal dementia and/or amyotrophic lateral sclerosis 1. Last evaluated: 2022-11-22. Review status: criteria provided, single submitter. Criteria: Invitae Variant Classification Sherloc (09022015). Collection method: clinical testing. Allele origin: germline.
Comment: In summary, the available evidence is currently insufficient to determine the role of this variant in disease. Therefore, it has been classified as a Variant of Uncertain Significance. Experimental studies and prediction algorithms are not available or were not evaluated, and the functional significance of this variant is currently unknown. This variant has not been reported in the literature in individuals affected with SQSTM1-related conditions. This variant results in a copy number gain of the genomic region encompassing exon(s) 7-8 of the SQSTM1 gene. This region includes the termination codon of the gene. This copy number gain extends beyond the assayed region for this gene and therefore may encompass additional genes. As the precise location of this event is unknown, it may be in tandem or it may be located elsewhere in the genome.

NC_000005.9:g.(?_179260567)_(179263593_?)dup

Gene: SQSTM1 (sequestosome 1; plus strand). Cytogenetic location: 5q35.3.
Variant type: Duplication.
Identifiers: ClinVar variation 2424786 (VCV002424786.4).